The following is an entry in ClinVar:

ClinVar aggregate classification (germline): Likely pathogenic (1 of 4 stars; one submission).

Conditions:
Rubinstein-Taybi syndrome due to EP300 haploinsufficiency. Also called: EP300-Related Rubinstein-Taybi Syndrome; RUBINSTEIN-TAYBI SYNDROME 2. Identifiers: Orphanet 353284, Orphanet 783, MedGen C3150941, MONDO:0013364, OMIM 613684.
Menke-Hennekam syndrome 2 (MKHK2). Identifiers: MedGen C5193035, MONDO:0020769, OMIM 618333.

Submission:

Institute of Immunology and Genetics Kaiserslautern
Classification: Likely pathogenic for Menke-Hennekam syndrome 2; Rubinstein-Taybi syndrome due to EP300 haploinsufficiency. Last evaluated: 2024-06-03. Review status: criteria provided, single submitter. Criteria: ACMG Guidelines, 2015. Collection method: clinical testing. Allele origin: germline. Affected: yes.
Comment: ACMG Criteria: PVS1, PM2; Variant was found in heterozygous state

NM_001429.4(EP300):c.369_370dup (p.Ser124fs)

Gene: EP300 (EP300 lysine acetyltransferase; plus strand). Cytogenetic location: 22q13.2.
Variant type: Duplication.
Coding change: c.369_370dup on transcript NM_001429.4 (MANE Select); coding-DNA positions 369 to 370, 2 bases duplicated (AA; older notation c.369_370dupAA).
Protein change: p.Ser124fs; shifts the reading frame from serine 124.
Molecular consequence: frameshift variant.
Genome position (GRCh38, 1-based): chr22:41,117,461-41,117,462, AA duplicated; duplicating any 2 consecutive bases within chr22:41,117,459-41,117,462 gives the same sequence; the c. name uses the placement nearest the transcript's 3' end. VCF-style (leftmost placement, unchanged base first): chr22-41117458-C-CAA. GRCh37 (hg19) VCF-style: chr22-41513462-C-CAA.
Other names: c.369_370dup, p.Ser124fs (NM_001362843.2); short protein forms S124fs.
Identifiers: ClinVar variation 3251937 (VCV003251937.1), dbSNP rs2518115992.